The following is an entry in ClinVar:

ClinVar aggregate classification (germline): Likely benign (1 of 4 stars; one submission).

Allele frequency attached by ClinVar (database versions not stated): gnomAD exomes below 0.00001; gnomAD 0.00001.
gnomAD v4.1: 2 of 1,613,914 alleles (0.00012%); highest among the groups gnomAD compares: East Asian, 0.0045%; no homozygotes.

Submission:

GeneDx
Classification: Likely benign. Last evaluated: 2017-12-11. Review status: criteria provided, single submitter. Criteria: GeneDx Variant Classification (06012015). Collection method: clinical testing. Allele origin: germline. Affected: yes.
Comment: This variant is considered likely benign or benign based on one or more of the following criteria: it is a conservative change, it occurs at a poorly conserved position in the protein, it is predicted to be benign by multiple in silico algorithms, and/or has population frequency not consistent with disease.

NM_001374385.1(ATP8B1):c.498C>T (p.Arg166=)

Gene: ATP8B1 (ATPase phospholipid transporting 8B1; minus strand). Cytogenetic location: 18q21.31.
Variant type: single nucleotide variant.
Coding change: c.498C>T on transcript NM_001374385.1 (MANE Select); coding-DNA position 498, C replaced by T.
Protein change: p.Arg166=; no amino-acid change (arginine 166 retained).
Molecular consequence: synonymous variant.
Genome position (GRCh38, 1-based): chr18:57,701,095, G>A on the plus strand (C>T on the coding strand, the complement: ATP8B1 is on the minus strand). VCF-style: chr18-57701095-G-A. GRCh37 (hg19) VCF-style: chr18-55368327-G-A.
Other names: c.348C>T, p.Arg116= (NM_001374386.1); c.498C>T, p.Arg166= (NM_005603.6).
Identifiers: ClinVar variation 513615 (VCV000513615.1), dbSNP rs1260954020, ClinGen allele CA504011372.